The following is an entry in ClinVar:

NM_005051.3(QARS1):c.1615-2A>T

Gene: QARS1 (glutaminyl-tRNA synthetase 1; minus strand). Cytogenetic location: 3p21.31.
Variant type: single nucleotide variant.
Coding change: c.1615-2A>T on transcript NM_005051.3 (MANE Select); the canonical splice acceptor site of the intron before coding-DNA position 1615, A replaced by T.
Molecular consequence: splice acceptor variant.
Genome position (GRCh38, 1-based): chr3:49,099,255, T>A on the plus strand (A>T on the coding strand, the complement: QARS1 is on the minus strand). VCF-style: chr3-49099255-T-A. GRCh37 (hg19) VCF-style: chr3-49136688-T-A.
Other names: c.1582-2A>T (NM_001272073.2).
Identifiers: ClinVar variation 936875 (VCV000936875.8), dbSNP rs369802930, ClinGen allele CA2391686.
Genomic context (GRCh38, chr3:49,099,255, plus strand): 5'-CGCACACAGGCTTCTAGAAGATGTGGCTCCATTGTGGTTTGTGCCACAGTCACTCCCACC[T>A]GGCAGGAAAGTTCAGCATCAGTCACAGCTACAATCACAAACTGCCACACTCAACCCCCAA-3'

ClinVar aggregate classification (germline): Conflicting classifications of pathogenicity. Review status: criteria provided, conflicting classifications (1 of 4 stars). 2 submissions from 2 submitters: Likely pathogenic (1); Uncertain significance (1). Last evaluated 2023-07-26.

Conditions:
Diffuse cerebral and cerebellar atrophy - intractable seizures - progressive microcephaly syndrome. Also called: Microcephaly, progressive, with seizures and cerebral and cerebellar atrophy. Identifiers: Orphanet 404437, MedGen C4014239, MONDO:0014335, OMIM 615760.

Allele frequency attached by ClinVar (database versions not stated): gnomAD exomes below 0.00001; ExAC 0.00001; ESP Exome Variant Server 0.00008.
gnomAD v4.1: 5 of 1,614,188 alleles (0.00031%); highest among the groups gnomAD compares: Non-Finnish European, 0.00042%; no homozygotes.

Submissions (2):

Laboratory for Molecular Medicine, Mass General Brigham Personalized Medicine
Classification: Uncertain significance for Diffuse cerebral and cerebellar atrophy - intractable seizures - progressive microcephaly syndrome. Last evaluated: 2023-07-26. Review status: criteria provided, single submitter. Criteria: ACMG Guidelines, 2015. Collection method: clinical testing. Allele origin: germline. Inheritance: Autosomal recessive inheritance.
Comment: The c.1615-2A>T variant in QARS1 has not been reported in individuals with disease and was absent from large population studies (v3.1.2). It has been reported in ClinVar (Variation ID 936875). This variant occurs within the canonical splice (+/-1,2) of an exon present in biologically relevant transcript and is predicted to cause altered splicing, with the alteration likely to preserve the reading frame. Loss of function of the QARS1 gene is an established disease mechanism in Diffuse cerebral and cerebellar atrophy-intractable seizures-progressive microcephaly syndrome. In summary, while there is some suspicion for a pathogenic role, the clinical significance of this variant is uncertain. ACMG/AMP Criteria applied: PM2_Supporting, PVS1_Strong.

Labcorp Genetics (formerly Invitae), Labcorp
Classification: Likely pathogenic for Diffuse cerebral and cerebellar atrophy - intractable seizures - progressive microcephaly syndrome. Last evaluated: 2022-02-04. Review status: criteria provided, single submitter. Criteria: Invitae Variant Classification Sherloc (09022015). Collection method: clinical testing. Allele origin: germline.
Comment: In summary, the currently available evidence indicates that the variant is pathogenic, but additional data are needed to prove that conclusively. Therefore, this variant has been classified as Likely Pathogenic. Algorithms developed to predict the effect of sequence changes on RNA splicing suggest that this variant may disrupt the consensus splice site. ClinVar contains an entry for this variant (Variation ID: 936875). This variant has not been reported in the literature in individuals affected with QARS-related conditions. This variant is present in population databases (rs369802930, gnomAD 0.002%). This sequence change affects an acceptor splice site in intron 17 of the QARS gene. It is expected to disrupt RNA splicing. Variants that disrupt the donor or acceptor splice site typically lead to a loss of protein function (PMID: 16199547), and loss-of-function variants in QARS are known to be pathogenic (PMID: 24656866, 25471517).

Literature cited by the submitters: PubMed 16199547 (cited by Labcorp Genetics (formerly Invitae), Labcorp); PubMed 24656866 (cited by Labcorp Genetics (formerly Invitae), Labcorp); PubMed 25471517 (cited by Labcorp Genetics (formerly Invitae), Labcorp).